The following is an entry in ClinVar:

NM_006904.7(PRKDC):c.3182A>G (p.Lys1061Arg)

Gene: PRKDC (protein kinase, DNA-activated, catalytic subunit; minus strand). Cytogenetic location: 8q11.21.
Variant type: single nucleotide variant.
Coding change: c.3182A>G on transcript NM_006904.7 (MANE Select); coding-DNA position 3182, A replaced by G.
Protein change: p.Lys1061Arg; replaces lysine 1061 with arginine.
Molecular consequence: missense variant.
Genome position (GRCh38, 1-based): chr8:47,902,656, T>C on the plus strand (A>G on the coding strand, the complement: PRKDC is on the minus strand). VCF-style: chr8-47902656-T-C. GRCh37 (hg19) VCF-style: chr8-48815216-T-C.
Other names: c.3182A>G, p.Lys1061Arg (NM_001081640.2); short protein forms K1061R.
Identifiers: ClinVar variation 1728554 (VCV001728554.2), dbSNP rs2551875566, ClinGen allele CA371156800.

ClinVar aggregate classification (germline): Uncertain significance (1 of 4 stars; one submission).

Submission:

Ambry Genetics
Classification: Uncertain significance. Last evaluated: 2021-07-09. Review status: criteria provided, single submitter. Criteria: Ambry Variant Classification Scheme 2023. Collection method: clinical testing. Allele origin: germline.
Comment: The p.K1061R variant (also known as c.3182A>G), located in coding exon 27 of the PRKDC gene, results from an A to G substitution at nucleotide position 3182. The lysine at codon 1061 is replaced by arginine, an amino acid with highly similar properties. This amino acid position is conserved. In addition, the in silico prediction for this alteration is inconclusive. Since supporting evidence is limited at this time, the clinical significance of this alteration remains unclear.